The following is an entry in ClinVar:

ClinVar aggregate classification (germline): Conflicting classifications of pathogenicity. Review status: criteria provided, conflicting classifications (1 of 4 stars). 4 submissions from 4 submitters: Pathogenic (1); Likely pathogenic (2); Uncertain significance (1). Last evaluated 2023-01-07.

Conditions:
Intellectual disability. Also called: Intellectual developmental disorder; Intellectual functioning disability; intellectual disabilities. Identifiers: MedGen C3714756, MeSH D008607, MONDO:0001071, HP:0001249.
KBG syndrome (KBGS). Also called: ANKRD11-Related KBG Syndrome. Identifiers: Orphanet 2332, MedGen C0220687, MONDO:0007846, OMIM 148050.
ANKRD11-related disorder. Also called: ANKRD11-related condition.

Submissions (4):

Labcorp Genetics (formerly Invitae), Labcorp
Classification: Uncertain significance for KBG syndrome. Last evaluated: 2023-01-07. Review status: criteria provided, single submitter. Criteria: Invitae Variant Classification Sherloc (09022015). Collection method: clinical testing. Allele origin: germline.
Comment: In summary, the available evidence is currently insufficient to determine the role of this variant in disease. Therefore, it has been classified as a Variant of Uncertain Significance. Advanced modeling of protein sequence and biophysical properties (such as structural, functional, and spatial information, amino acid conservation, physicochemical variation, residue mobility, and thermodynamic stability) has been performed at Invitae for this missense variant, however the output from this modeling did not meet the statistical confidence thresholds required to predict the impact of this variant on ANKRD11 protein function. ClinVar contains an entry for this variant (Variation ID: 429654). This variant has not been reported in the literature in individuals affected with ANKRD11-related conditions. This variant is not present in population databases (gnomAD no frequency). This sequence change replaces leucine, which is neutral and non-polar, with arginine, which is basic and polar, at codon 2605 of the ANKRD11 protein (p.Leu2605Arg).

PreventionGenetics, part of Exact Sciences
Classification: Likely pathogenic for ANKRD11-related condition. Last evaluated: 2022-10-20. Review status: criteria provided, single submitter. Criteria: ACMG Guidelines, 2015. Collection method: clinical testing. Allele origin: germline.
Comment: The ANKRD11 c.7814T>G variant is predicted to result in the amino acid substitution p.Leu2605Arg. This variant was reported with de novo occurrence in two individuals described in a large KBG study and determined to be pathogenic. One individual had classic features of KBG syndrome and the other had neurodevelopmental delays but lacked recognizable dysmorphic features (Figure 1, Figure 2 C (individual 28) and Table S5, de Boer et al. 2022. PubMed ID: 35833929). This variant has not been reported in a large population database, indicating it is rare. This variant resides in the C-terminal RD2 domain, a region enriched for disease-associated variants and depleted of natural variation (de Boer et al. 2022. PubMed ID: 35833929). Taken together, this variant is classified as likely pathogenic.

GeneDx
Classification: Pathogenic. Last evaluated: 2022-09-14. Review status: criteria provided, single submitter. Criteria: GeneDx Variant Classification Process June 2021. Collection method: clinical testing. Allele origin: germline. Affected: yes.
Comment: Not observed in large population cohorts (gnomAD); In silico analysis supports that this missense variant has a deleterious effect on protein structure/function; This variant is associated with the following publications: (PMID: 35833929)

Cytogénomique, Hospices Civils de Lyon
Classification: Likely pathogenic for Intellectual disability. Last evaluated: 2020-07-17. Review status: criteria provided, single submitter. Criteria: ACMG Guidelines, 2015. Collection method: clinical testing. Allele origin: de novo. Inheritance: Sporadic. Affected: yes. Observed: 1 variant allele, 1 heterozygote.
Comment: de novo variant absent from gnomAD previsously considered likely pathogenic in Clinvar. Bioinformatic pathogenic prediction

NM_013275.6(ANKRD11):c.7814T>G (p.Leu2605Arg)

Gene: ANKRD11 (ankyrin repeat domain 11; minus strand). Cytogenetic location: 16q24.3.
Variant type: single nucleotide variant.
Coding change: c.7814T>G on transcript NM_013275.6 (MANE Select); coding-DNA position 7814, T replaced by G.
Protein change: p.Leu2605Arg; replaces leucine 2605 with arginine.
Molecular consequence: missense variant.
Genome position (GRCh38, 1-based): chr16:89,268,656, A>C on the plus strand (T>G on the coding strand, the complement: ANKRD11 is on the minus strand). VCF-style: chr16-89268656-A-C. GRCh37 (hg19) VCF-style: chr16-89335064-A-C.
Other names: c.7814T>G, p.Leu2605Arg (NM_001256182.2, NM_001256183.2); short protein forms L2605R.
Identifiers: ClinVar variation 429654 (VCV000429654.11), dbSNP rs1131691512, ClinGen allele CA397145398.
Genomic context (GRCh38, chr16:89,268,656, plus strand): 5'-TGCCACTCCATCCTCTGCACGGCGTTCAGGGCCGCGGCCTCGTGCTGCTGCCGCATGAGG[A>C]GGCAAGTCTGCGGGACACACAGCGGGGAGAGGAGGGAGGAGGAGTGAAGGGAGAGCCCCA-3'
Protein context (NP_037407.4, residues 2595-2615): DDKYDRMKTC[Leu2605Arg]LMRQQHEAAA